The following is an entry in ClinVar:

ClinVar aggregate classification (germline): Uncertain significance. Review status: criteria provided, multiple submitters, no conflicts (2 of 4 stars). 2 submissions from 2 submitters: Uncertain significance (2). Last evaluated 2021-07-30.

Allele frequency attached by ClinVar (database versions not stated): gnomAD 0.00004 and 0.00003; gnomAD exomes 0.00006 and 0.00003; ExAC 0.00002; TOPMed 0.00003.
gnomAD v4.1: 50 of 1,613,714 alleles (0.0031%); highest among the groups gnomAD compares: Admixed American, 0.012%; no homozygotes.

Submissions (2):

Labcorp Genetics (formerly Invitae), Labcorp
Classification: Uncertain significance. Last evaluated: 2021-07-30. Review status: criteria provided, single submitter. Criteria: Invitae Variant Classification Sherloc (09022015). Collection method: clinical testing. Allele origin: germline.
Comment: In summary, the available evidence is currently insufficient to determine the role of this variant in disease. Therefore, it has been classified as a Variant of Uncertain Significance. Algorithms developed to predict the effect of missense changes on protein structure and function are either unavailable or do not agree on the potential impact of this missense change (SIFT: "Tolerated"; PolyPhen-2: "Probably Damaging"; Align-GVGD: "Class C0"). This variant has not been reported in the literature in individuals with PRPF4-related conditions. ClinVar contains an entry for this variant (Variation ID: 872557). This variant is present in population databases (rs748684968, ExAC 0.004%). This sequence change replaces proline with alanine at codon 261 of the PRPF4 protein (p.Pro261Ala). The proline residue is highly conserved and there is a small physicochemical difference between proline and alanine.

CeGaT Center for Human Genetics Tuebingen
Classification: Uncertain significance. Last evaluated: 2019-09-01. Review status: criteria provided, single submitter. Criteria: CeGaT Center For Human Genetics Tuebingen Variant Classification Criteria Version 2. Collection method: clinical testing. Allele origin: germline. Affected: yes. Observed: 1 variant allele.

NM_001244926.2(PRPF4):c.778C>G (p.Pro260Ala)

Gene: PRPF4 (pre-mRNA splicing tri-snRNP complex factor PRPF4; plus strand). Cytogenetic location: 9q32.
Variant type: single nucleotide variant.
Coding change: c.778C>G on transcript NM_001244926.2 (MANE Select); coding-DNA position 778, C replaced by G.
Protein change: p.Pro260Ala; replaces proline 260 with alanine.
Molecular consequence: missense variant. On other transcripts: non-coding transcript variant (2).
Genome position (GRCh38, 1-based): chr9:113,286,260, C>G. VCF-style: chr9-113286260-C-G. GRCh37 (hg19) VCF-style: chr9-116048540-C-G.
Other names: c.52C>G, p.Pro18Ala (NM_001322266.2, NM_001322267.2); c.781C>G, p.Pro261Ala (NM_004697.5); short protein forms P261A, P260A, P18A.
Identifiers: ClinVar variation 872557 (VCV000872557.47), dbSNP rs748684968, ClinGen allele CA5194999.
Genomic context (GRCh38, chr9:113,286,260, plus strand): 5'-CTGGCTGAGATGCTTTCCTTTGTATTTGATAGGAGTGGGCTTTGCAAGCTCTGGTCTGTT[C>G]CTGATTGCAACCTCCTTCACACTCTTCGAGGTAAGTTAGAGTCTTATCCAAATCTCGGTC-3'
Protein context (NP_001231855.1, residues 250-270): WSGLCKLWSV[Pro260Ala]DCNLLHTLRG